The following is an entry in ClinVar:

NM_018344.6(SLC29A3):c.148T>C (p.Phe50Leu)

Gene: SLC29A3 (solute carrier family 29 member 3; plus strand). Cytogenetic location: 10q22.1.
Variant type: single nucleotide variant.
Coding change: c.148T>C on transcript NM_018344.6 (MANE Select); coding-DNA position 148, T replaced by C.
Protein change: p.Phe50Leu; replaces phenylalanine 50 with leucine.
Molecular consequence: missense variant. On other transcripts: 5 prime UTR variant (1), non-coding transcript variant (2).
Genome position (GRCh38, 1-based): chr10:71,322,902, T>C. VCF-style: chr10-71322902-T-C. GRCh37 (hg19) VCF-style: chr10-73082659-T-C.
Other names: c.148T>C, p.Phe50Leu (NM_001174098.2); c.-87T>C (NM_001363518.2); short protein forms F50L.
Identifiers: ClinVar variation 536249 (VCV000536249.6), dbSNP rs769621228, ClinGen allele CA5542835.

ClinVar aggregate classification (germline): Uncertain significance (1 of 4 stars; one submission).

Conditions:
H syndrome. Also called: Histiocytosis with joint contractures and sensorineural deafness; HISTIOCYTOSIS AND LYMPHADENOPATHY WITH OR WITHOUT CUTANEOUS, CARDIAC, AND/OR ENDOCRINE FEATURES, JOINT CONTRACTURES, AND/OR DEAFNESS; HYPERPIGMENTATION, CUTANEOUS, WITH HYPERTRICHOSIS, HEPATOSPLENOMEGALY, HEART ANOMALIES, AND HYPOGONADISM WITH OR WITHOUT HEARING LOSS; PIGMENTED HYPERTRICHOSIS WITH INSULIN-DEPENDENT DIABETES MELLITUS; ROSAI-DORFMAN DISEASE, FAMILIAL; SINUS HISTIOCYTOSIS AND MASSIVE LYMPHADENOPATHY. Identifiers: Orphanet 168569, MedGen C1864445, MONDO:0011273, OMIM 602782.

Allele frequency attached by ClinVar (database versions not stated): gnomAD 0.00001; ExAC 0.00002; gnomAD exomes 0.00002 and 0.00004; TOPMed 0.00002.
gnomAD v4.1: 13 of 1,614,118 alleles (0.00081%); highest among the groups gnomAD compares: Admixed American, 0.02%; no homozygotes.

Submission:

Labcorp Genetics (formerly Invitae), Labcorp
Classification: Uncertain significance for H syndrome. Last evaluated: 2022-10-17. Review status: criteria provided, single submitter. Criteria: Invitae Variant Classification Sherloc (09022015). Collection method: clinical testing. Allele origin: germline.
Comment: This sequence change replaces phenylalanine, which is neutral and non-polar, with leucine, which is neutral and non-polar, at codon 50 of the SLC29A3 protein (p.Phe50Leu). This variant is present in population databases (rs769621228, gnomAD 0.03%). This variant has not been reported in the literature in individuals affected with SLC29A3-related conditions. ClinVar contains an entry for this variant (Variation ID: 536249). Advanced modeling of protein sequence and biophysical properties (such as structural, functional, and spatial information, amino acid conservation, physicochemical variation, residue mobility, and thermodynamic stability) performed at Invitae indicates that this missense variant is not expected to disrupt SLC29A3 protein function. In summary, the available evidence is currently insufficient to determine the role of this variant in disease. Therefore, it has been classified as a Variant of Uncertain Significance.